The following is an entry in ClinVar:

ClinVar aggregate classification (germline): Uncertain significance (1 of 4 stars; one submission).

Conditions:
Dilated cardiomyopathy 1HH (CMD1HH). Identifiers: Orphanet 154, MedGen C3151293, MONDO:0013479, OMIM 613881.
Myofibrillar myopathy 6. Identifiers: Orphanet 199340, MedGen C2751831, MONDO:0013061, OMIM 612954.

Submission:

Labcorp Genetics (formerly Invitae), Labcorp
Classification: Uncertain significance for Dilated cardiomyopathy 1HH; Myofibrillar myopathy 6. Last evaluated: 2022-07-29. Review status: criteria provided, single submitter. Criteria: Invitae Variant Classification Sherloc (09022015). Collection method: clinical testing. Allele origin: germline.
Comment: This variant is not present in population databases (gnomAD no frequency). This sequence change replaces proline, which is neutral and non-polar, with arginine, which is basic and polar, at codon 378 of the BAG3 protein (p.Pro378Arg). This variant has not been reported in the literature in individuals affected with BAG3-related conditions. ClinVar contains an entry for this variant (Variation ID: 1408967). Algorithms developed to predict the effect of missense changes on protein structure and function are either unavailable or do not agree on the potential impact of this missense change (SIFT: "Tolerated"; PolyPhen-2: "Not Available"; Align-GVGD: "Class C0"). In summary, the available evidence is currently insufficient to determine the role of this variant in disease. Therefore, it has been classified as a Variant of Uncertain Significance.

NM_004281.4(BAG3):c.1133C>G (p.Pro378Arg)

Gene: BAG3 (BAG cochaperone 3; plus strand). Cytogenetic location: 10q26.11.
Variant type: single nucleotide variant.
Coding change: c.1133C>G on transcript NM_004281.4 (MANE Select); coding-DNA position 1133, C replaced by G.
Protein change: p.Pro378Arg; replaces proline 378 with arginine.
Molecular consequence: missense variant.
Genome position (GRCh38, 1-based): chr10:119,676,687, C>G. VCF-style: chr10-119676687-C-G. GRCh37 (hg19) VCF-style: chr10-121436199-C-G.
Other names: short protein forms P378R.
Identifiers: ClinVar variation 1408967 (VCV001408967.8), dbSNP rs1847240427, ClinGen allele CA378296700.